The following is an entry in ClinVar:

ClinVar aggregate classification (germline): Pathogenic (1 of 4 stars; one submission).

Conditions:
Cholestanol storage disease (CTX). Also called: CTX: Cerebrotendinous xanthomatosis; CEREBRAL CHOLESTERINOSIS; Cerebrotendinous Xanthomatosis. Identifiers: Orphanet 909, MedGen C0238052, MONDO:0008948, OMIM 213700.

Submission:

Labcorp Genetics (formerly Invitae), Labcorp
Classification: Pathogenic for Cholestanol storage disease. Last evaluated: 2023-12-04. Review status: criteria provided, single submitter. Criteria: Invitae Variant Classification Sherloc (09022015). Collection method: clinical testing. Allele origin: germline.
Comment: This sequence change creates a premature translational stop signal (p.Phe444Serfs*6) in the CYP27A1 gene. It is expected to result in an absent or disrupted protein product. Loss-of-function variants in CYP27A1 are known to be pathogenic (PMID: 9392430, 10775536, 26937392). This variant is not present in population databases (gnomAD no frequency). This premature translational stop signal has been observed in individual(s) with cerebrotendinous xanthomatosis (PMID: 20925952). For these reasons, this variant has been classified as Pathogenic.

Literature cited by the submitters: PubMed 9392430; PubMed 10775536; PubMed 26937392; PubMed 20925952.

NM_000784.4(CYP27A1):c.1330_1333del (p.Phe444fs)

Gene: CYP27A1 (cytochrome P450 family 27 subfamily A member 1; plus strand). Cytogenetic location: 2q35.
Variant type: Deletion.
Coding change: c.1330_1333del on transcript NM_000784.4 (MANE Select); coding-DNA positions 1330 to 1333, 4 bases deleted (TTCC; older notation c.1330_1333delTTCC).
Protein change: p.Phe444fs; shifts the reading frame from phenylalanine 444.
Molecular consequence: frameshift variant.
Genome position (GRCh38, 1-based): chr2:218,814,611-218,814,614, TTCC deleted; deleting any 4 consecutive bases within chr2:218,814,610-218,814,614 gives the same sequence; the c. name uses the placement nearest the transcript's 3' end. VCF-style (leftmost placement, unchanged base first): chr2-218814609-GCTTC-G. GRCh37 (hg19) VCF-style: chr2-219679332-GCTTC-G.
Other names: short protein forms F444fs.
Identifiers: ClinVar variation 2734395 (VCV002734395.3), dbSNP rs2470229906, ClinGen allele CA2586971285.